The following is an entry in ClinVar:

ClinVar aggregate classification (germline): Pathogenic (1 of 4 stars; one submission).

Submission:

Labcorp Genetics (formerly Invitae), Labcorp
Classification: Pathogenic. Last evaluated: 2024-01-29. Review status: criteria provided, single submitter. Criteria: Invitae Variant Classification Sherloc (09022015). Collection method: clinical testing. Allele origin: germline.
Comment: This sequence change creates a premature translational stop signal (p.Glu809Glyfs*8) in the KIF11 gene. It is expected to result in an absent or disrupted protein product. Loss-of-function variants in KIF11 are known to be pathogenic (PMID: 22284827, 24281367). This variant is not present in population databases (gnomAD no frequency). This variant has not been reported in the literature in individuals affected with KIF11-related conditions. For these reasons, this variant has been classified as Pathogenic.

Literature cited by the submitters: PubMed 22284827; PubMed 24281367.

NM_004523.4(KIF11):c.2423dup (p.Glu809fs)

Gene: KIF11 (kinesin family member 11; plus strand). Cytogenetic location: 10q23.33.
Variant type: Duplication.
Coding change: c.2423dup on transcript NM_004523.4 (MANE Select); coding-DNA position 2423, one base duplicated (T; older notation c.2423dupT).
Protein change: p.Glu809fs; shifts the reading frame from glutamic acid 809.
Molecular consequence: frameshift variant.
Genome position (GRCh38, 1-based): chr10:92,645,518, T duplicated. VCF-style (leftmost placement, unchanged base first): chr10-92645517-C-CT. GRCh37 (hg19) VCF-style: chr10-94405274-C-CT.
Other names: short protein forms E809fs.
Identifiers: ClinVar variation 3637444 (VCV003637444.2).